The following is an entry in ClinVar:

NM_000037.4(ANK1):c.1187C>T (p.Ser396Leu)

Gene: ANK1 (ankyrin 1; minus strand). Cytogenetic location: 8p11.21.
Variant type: single nucleotide variant.
Coding change: c.1187C>T on transcript NM_000037.4 (MANE Select); coding-DNA position 1187, C replaced by T.
Protein change: p.Ser396Leu; replaces serine 396 with leucine.
Molecular consequence: missense variant.
Genome position (GRCh38, 1-based): chr8:41,718,125, G>A on the plus strand (C>T on the coding strand, the complement: ANK1 is on the minus strand). VCF-style: chr8-41718125-G-A. GRCh37 (hg19) VCF-style: chr8-41575643-G-A.
Other names: c.1286C>T, p.Ser429Leu (NM_001142446.2); c.1187C>T, p.Ser396Leu (NM_020475.3, NM_020476.3, NM_020477.3); short protein forms S429L, S396L.
Identifiers: ClinVar variation 2084793 (VCV002084793.7), dbSNP rs376407187, ClinGen allele CA4728711.

ClinVar aggregate classification (germline): Uncertain significance. Review status: criteria provided, multiple submitters, no conflicts (2 of 4 stars). 2 submissions from 2 submitters: Uncertain significance (2). Last evaluated 2024-04-25.

Conditions:
Hereditary spherocytosis type 1. Also called: Spherocytosis type 1; ANK1-Related Spherocytosis. Identifiers: Orphanet 822, MedGen C2674218, MONDO:0008447, OMIM 182900.

Allele frequency attached by ClinVar (database versions not stated): ExAC 0.00005; TOPMed 0.00008; gnomAD 0.00013; 1000 Genomes Project 30x 0.00016; 1000 Genomes Project 0.00020; ESP Exome Variant Server 0.00023.
gnomAD v4.1: 59 of 1,613,952 alleles (0.0037%); highest among the groups gnomAD compares: African/African-American, 0.033%; no homozygotes.

Submissions (2):

Labcorp Genetics (formerly Invitae), Labcorp
Classification: Uncertain significance. Last evaluated: 2024-04-25. Review status: criteria provided, single submitter. Criteria: Invitae Variant Classification Sherloc (09022015). Collection method: clinical testing. Allele origin: germline.
Comment: This sequence change replaces serine, which is neutral and polar, with leucine, which is neutral and non-polar, at codon 396 of the ANK1 protein (p.Ser396Leu). This variant is present in population databases (rs376407187, gnomAD 0.03%). This variant has not been reported in the literature in individuals affected with ANK1-related conditions. ClinVar contains an entry for this variant (Variation ID: 2084793). Advanced modeling of protein sequence and biophysical properties (such as structural, functional, and spatial information, amino acid conservation, physicochemical variation, residue mobility, and thermodynamic stability) performed at Invitae indicates that this missense variant is not expected to disrupt ANK1 protein function with a negative predictive value of 80%. In summary, the available evidence is currently insufficient to determine the role of this variant in disease. Therefore, it has been classified as a Variant of Uncertain Significance.

Revvity Omics, Revvity
Classification: Uncertain significance for Hereditary spherocytosis type 1. Last evaluated: 2023-09-14. Review status: criteria provided, single submitter. Criteria: ACMG Guidelines, 2015. Collection method: clinical testing. Allele origin: germline.